The following is an entry in ClinVar:

ClinVar aggregate classification (germline): Uncertain significance. Review status: criteria provided, multiple submitters, no conflicts (2 of 4 stars). 2 submissions from 2 submitters: Uncertain significance (2). Last evaluated 2021-12-03.

Allele frequency attached by ClinVar (database versions not stated): gnomAD exomes below 0.00001; ExAC 0.00001; ESP Exome Variant Server 0.00008.
gnomAD v4.1: 3 of 1,499,190 alleles (0.0002%); highest among the groups gnomAD compares: Non-Finnish European, 0.00027%; no homozygotes.

Submissions (2):

Labcorp Genetics (formerly Invitae), Labcorp
Classification: Uncertain significance. Last evaluated: 2021-12-03. Review status: criteria provided, single submitter. Criteria: Invitae Variant Classification Sherloc (09022015). Collection method: clinical testing. Allele origin: germline.
Comment: This sequence change replaces isoleucine, which is neutral and non-polar, with methionine, which is neutral and non-polar, at codon 385 of the IFNAR1 protein (p.Ile385Met). This variant is present in population databases (rs371123977, gnomAD 0.001%). This variant has not been reported in the literature in individuals affected with IFNAR1-related conditions. Algorithms developed to predict the effect of missense changes on protein structure and function (SIFT, PolyPhen-2, Align-GVGD) all suggest that this variant is likely to be tolerated. In summary, the available evidence is currently insufficient to determine the role of this variant in disease. Therefore, it has been classified as a Variant of Uncertain Significance.

Ambry Genetics
Classification: Uncertain significance. Last evaluated: 2021-08-10. Review status: criteria provided, single submitter. Criteria: Ambry Variant Classification Scheme 2023. Collection method: clinical testing. Allele origin: germline.

NM_000629.3(IFNAR1):c.1155C>G (p.Ile385Met)

Gene: IFNAR1 (interferon alpha and beta receptor subunit 1; plus strand). Cytogenetic location: 21q22.11.
Variant type: single nucleotide variant.
Coding change: c.1155C>G on transcript NM_000629.3 (MANE Select); coding-DNA position 1155, C replaced by G.
Protein change: p.Ile385Met; replaces isoleucine 385 with methionine.
Molecular consequence: missense variant.
Genome position (GRCh38, 1-based): chr21:33,352,769, C>G. VCF-style: chr21-33352769-C-G. GRCh37 (hg19) VCF-style: chr21-34725075-C-G.
Other names: c.1155C>G, p.Ile385Met (NM_001384498.1, NM_001384499.1, NM_001384503.1); c.393C>G, p.Ile131Met (NM_001384500.1); c.1140C>G, p.Ile380Met (NM_001384501.1); c.693C>G, p.Ile231Met (NM_001384502.1); c.948C>G, p.Ile316Met (NM_001384504.1); c.1155C>G (NM_000629.2); short protein forms I316M, I131M, I380M, I231M, I385M.
Identifiers: ClinVar variation 1473424 (VCV001473424.4), dbSNP rs371123977, ClinGen allele CA10006687.
Genomic context (GRCh38, chr21:33,352,769, plus strand): 5'-ATTTCTTGAGGTGACTAAATTTTATCAGTGATTTAATTATATTTTCTAGAGAAAAATTAT[C>G]GAGAAAAAAACTGATGTTACAGTTCCTAATTTGAAACCACTGACTGTATATTGTGTGAAA-3'
Protein context (NP_000620.2, residues 375-395): ENTSNAERKI[Ile385Met]EKKTDVTVPN